The following is an entry in ClinVar:

ClinVar aggregate classification (germline): Likely benign (1 of 4 stars; one submission).

Submission:

Mayo Clinic Laboratories, Mayo Clinic
Classification: Likely benign. Last evaluated: 2025-08-20. Review status: criteria provided, single submitter. Criteria: ACMG Guidelines, 2015. Collection method: clinical testing. Allele origin: germline. Observed: 1 variant allele.
Comment: BP4, BP7

NM_007254.4(PNKP):c.447C>T (p.Asn149=)

Gene: PNKP (polynucleotide kinase 3'-phosphatase; minus strand). Cytogenetic location: 19q13.33.
Variant type: single nucleotide variant.
Coding change: c.447C>T on transcript NM_007254.4 (MANE Select); coding-DNA position 447, C replaced by T.
Protein change: p.Asn149=; no amino-acid change (asparagine 149 retained).
Molecular consequence: synonymous variant.
Genome position (GRCh38, 1-based): chr19:49,865,178, G>A on the plus strand (C>T on the coding strand, the complement: PNKP is on the minus strand). VCF-style: chr19-49865178-G-A. GRCh37 (hg19) VCF-style: chr19-50368435-G-A.
Other names: p.Asn149=.
Identifiers: ClinVar variation 4684392 (VCV004684392.1).